The following is an entry in ClinVar:

ClinVar aggregate classification (germline): Pathogenic (1 of 4 stars; one submission).

Conditions:
Pontocerebellar hypoplasia type 2E. Identifiers: Orphanet 247198, MedGen C4014488, MONDO:0014370, OMIM 615851.

Submission:

Myriad Genetics, Inc.
Classification: Pathogenic for Pontocerebellar hypoplasia type 2E. Last evaluated: 2024-07-25. Review status: criteria provided, single submitter. Criteria: Myriad Autosomal Dominant, Autosomal Recessive and X-Linked Classification Criteria (2023). Collection method: clinical testing. Allele origin: unknown.
Comment: NM_001128159.2(VPS53):c.927delG(E309Dfs*15) is expected to be pathogenic in the context of pontocerebellar hypoplasia, VPS53-related. This variant is predicted to lead to an abnormal or absent protein product due to the creation of a premature termination codon in VPS53, a gene where loss-of-function variants are known to be pathogenic. Please note: this variant was assessed in the context of healthy population screening.

NM_001128159.3(VPS53):c.927del (p.Glu309fs)

Gene: VPS53 (VPS53 subunit of GARP complex; minus strand). Cytogenetic location: 17p13.3.
Variant type: Deletion.
Coding change: c.927del on transcript NM_001128159.3 (MANE Select); coding-DNA position 927, one base deleted (G; older notation c.927delG).
Protein change: p.Glu309fs; shifts the reading frame from glutamic acid 309.
Molecular consequence: frameshift variant.
Genome position (GRCh38, 1-based): chr17:627,221, C deleted on the plus strand (G on the coding strand, the reverse complement: VPS53 is on the minus strand). VCF-style (leftmost placement, unchanged base first): chr17-627220-AC-A. GRCh37 (hg19) VCF-style: chr17-530460-AC-A.
Other names: c.927del, p.Glu309fs (NM_001366253.2); c.333del, p.Glu111fs (NM_001366254.2); c.840del, p.Glu280fs (NM_018289.4); short protein forms E111fs, E280fs, E309fs.
Identifiers: ClinVar variation 5013364 (VCV005013364.1).
Genomic context (GRCh38, chr17:627,220, plus strand): 5'-GAACTGGCATCTACCTTGTCACATGGCAAAATTCCACCGCAATCCTCTCAGCCATGCACC[AC>A]TCACGTGGAAACATGCGGCCGTATTTCTCCTCATAGTCCACAAGCTGGCGTTTTATCCAG-3'